The following is an entry in ClinVar:

ClinVar aggregate classification (germline): Uncertain significance (1 of 4 stars; one submission).

gnomAD v4.1: 2 of 1,612,092 alleles (0.00012%); highest among the groups gnomAD compares: South Asian, 0.0011%; no homozygotes.

Submission:

GeneDx
Classification: Uncertain significance. Last evaluated: 2026-03-26. Review status: criteria provided, single submitter. Criteria: GeneDx Variant Classification Process June 2021. Collection method: clinical testing. Allele origin: germline.
Comment: Not observed at significant frequency in large population cohorts (gnomAD); In silico analysis supports that this missense variant has a deleterious effect on protein structure/function; Observed in a patient with bilateral iris, choroid and retinal colobomas; the variant was inherited from an unaffected parent (PMID: 36695497). This patient was also heterozygous for a de novo variant in DDX3X which is also associated with ocular colobomas (PMID: 36695497); This variant is associated with the following publications: (PMID: 36695497)

NM_003468.4(FZD5):c.1406T>C (p.Leu469Pro)

Gene: FZD5 (frizzled class receptor 5; minus strand). Cytogenetic location: 2q33.3.
Variant type: single nucleotide variant.
Coding change: c.1406T>C on transcript NM_003468.4 (MANE Select); coding-DNA position 1406, T replaced by C.
Protein change: p.Leu469Pro; replaces leucine 469 with proline.
Molecular consequence: missense variant.
Genome position (GRCh38, 1-based): chr2:207,767,334, A>G on the plus strand (T>C on the coding strand, the complement: FZD5 is on the minus strand). VCF-style: chr2-207767334-A-G. GRCh37 (hg19) VCF-style: chr2-208632058-A-G.
Other names: short protein forms L469P.
Identifiers: ClinVar variation 5016833 (VCV005016833.1).